The following is an entry in ClinVar:

NM_000051.4(ATM):c.6096-14A>G

Genes: ATM (ATM serine/threonine kinase; plus strand), C11orf65 (chromosome 11 open reading frame 65; minus strand). Cytogenetic location: 11q22.3.
Variant type: single nucleotide variant.
Coding change: c.6096-14A>G on transcript NM_000051.4 (MANE Select); 14 bases into the intron before coding-DNA position 6096, A replaced by G.
Molecular consequence: intron variant.
Genome position (GRCh38, 1-based): chr11:108,315,997, A>G. VCF-style: chr11-108315997-A-G. GRCh37 (hg19) VCF-style: chr11-108186724-A-G.
Other names: c.6096-14A>G (NM_001351834.2); c.641-6926T>C (NM_001330368.2); c.*39-6926T>C (NM_001351110.2).
Identifiers: ClinVar variation 377520 (VCV000377520.14), dbSNP rs184029731, ClinGen allele CA6265863.
Genomic context (GRCh38, chr11:108,315,997, plus strand): 5'-GTATAGTAATTCTGTTTATGAAGGAGTTATGTGTGTGTAAAACCCAAAGCTATTTTCACA[A>G]TCTTTTCTTATAGACTACGAACATATGAACACGAAGCAATGTGGGGCAAAGCCCTAGTAA-3'

ClinVar aggregate classification (germline): Conflicting classifications of pathogenicity. Review status: criteria provided, conflicting classifications (1 of 4 stars). 7 submissions from 7 submitters: Uncertain significance (1); Likely benign (4). 2 of the submissions do not count toward it. Last evaluated 2026-01-26.

Conditions:
Familial cancer of breast. Also called: hereditary breast carcinoma; Hereditary breast cancer; BREAST CANCER, FAMILIAL. Identifiers: Orphanet 227535, MedGen C0346153, MONDO:0016419, OMIM 114480. Disease mechanism: loss of function.
Hereditary cancer-predisposing syndrome. Also called: Neoplastic Syndromes, Hereditary; Hereditary neoplastic syndrome; Hereditary Cancer Syndrome; Tumor predisposition. Identifiers: Orphanet 140162, MedGen C0027672, MeSH D009386, MONDO:0015356.
Ataxia-telangiectasia syndrome (AT). Also called: Ataxia-telangiectasia, complementation group D; Ataxia-telangiectasia, complementation group E; LOUIS-BAR SYNDROME; AT, COMPLEMENTATION GROUP C; ATAXIA-TELANGIECTASIA, COMPLEMENTATION GROUP A; ATAXIA-TELANGIECTASIA, FRESNO VARIANT. Identifiers: Orphanet 100, MedGen C0004135, MONDO:0008840, OMIM 208900.

Allele frequency attached by ClinVar (database versions not stated): TOPMed 0.00005; 1000 Genomes Project 30x 0.00031; 1000 Genomes Project 0.00040; ExAC 0.00002; gnomAD exomes 0.00004; gnomAD 0.00006 and 0.00007.
gnomAD v4.1: 65 of 1,613,556 alleles (0.004%); highest among the groups gnomAD compares: East Asian, 0.022%; no homozygotes.

Submissions (7):

Labcorp Genetics (formerly Invitae), Labcorp
Classification: Likely benign for Ataxia-telangiectasia syndrome. Last evaluated: 2026-01-26. Review status: criteria provided, single submitter. Criteria: Invitae Variant Classification Sherloc (09022015). Collection method: clinical testing. Allele origin: germline.

Blueprint Genetics
Classification: Likely benign. Last evaluated: 2024-03-05. Review status: criteria provided, single submitter. Criteria: ACMG Guidelines, 2015. Collection method: clinical testing. Allele origin: germline.

Department of Pathology and Laboratory Medicine, Sinai Health System
Classification: Uncertain significance for Familial cancer of breast. Last evaluated: 2022-02-15. Review status: criteria provided, single submitter. Criteria: ACMG Guidelines, 2015. Collection method: clinical testing. Allele origin: germline. Affected: yes.

GeneDx
Classification: Likely benign. Last evaluated: 2017-08-30. Review status: criteria provided, single submitter. Criteria: GeneDx Variant Classification (06012015). Collection method: clinical testing. Allele origin: germline. Affected: yes.
Comment: This variant is considered likely benign or benign based on one or more of the following criteria: it is a conservative change, it occurs at a poorly conserved position in the protein, it is predicted to be benign by multiple in silico algorithms, and/or has population frequency not consistent with disease.

Color Diagnostics, LLC DBA Color Health
Classification: Likely benign for Hereditary cancer-predisposing syndrome. Last evaluated: 2017-03-09. Review status: criteria provided, single submitter. Criteria: ACMG Guidelines, 2015. Collection method: clinical testing. Allele origin: germline.

Genome Diagnostics Laboratory, Amsterdam University Medical Center
Classification: Likely benign. Review status: no assertion criteria provided. Collection method: clinical testing. Allele origin: germline. Affected: yes. Study: VKGL Data-share Consensus. Not counted in ClinVar's aggregate classification.

Joint Genome Diagnostic Labs from Nijmegen and Maastricht, Radboudumc and MUMC+
Classification: Likely benign. Review status: no assertion criteria provided. Collection method: clinical testing. Allele origin: germline. Affected: yes. Study: VKGL Data-share Consensus. Not counted in ClinVar's aggregate classification.